The following is an entry in ClinVar:

ClinVar aggregate classification (germline): Uncertain significance. Review status: criteria provided, multiple submitters, no conflicts (2 of 4 stars). 5 submissions from 5 submitters: Uncertain significance (5). Last evaluated 2026-01-28.

Conditions:
Hereditary cancer-predisposing syndrome. Also called: Neoplastic Syndromes, Hereditary; Tumor predisposition; Hereditary Cancer Syndrome; Hereditary neoplastic syndrome. Identifiers: Orphanet 140162, MedGen C0027672, MeSH D009386, MONDO:0015356.
Pheochromocytoma. Also called: MAX-Related Hereditary Paraganglioma-Pheochromocytoma Syndrome. Identifiers: Orphanet 29072, MedGen C0031511, MONDO:0008233, OMIM 171300, HP:0002666.
Hereditary pheochromocytoma and paraganglioma. Also called: Hereditary paragangliomas and pheochromocytomas; Hereditary Paraganglioma-Pheochromocytoma Syndromes; Hereditary pheochromocytoma-paraganglioma. Identifiers: Orphanet 29072, MedGen C4274332, MONDO:0017366.

Allele frequency attached by ClinVar (database versions not stated): gnomAD exomes below 0.00001.
gnomAD v4.1: 1 of 1,575,456 alleles (0.000063%); highest among the groups gnomAD compares: Non-Finnish European, 0.000086%; no homozygotes.

Submissions (5):

Labcorp Genetics (formerly Invitae), Labcorp
Classification: Uncertain significance for Hereditary pheochromocytoma and paraganglioma. Last evaluated: 2026-01-28. Review status: criteria provided, single submitter. Criteria: Invitae Variant Classification Sherloc (09022015). Collection method: clinical testing. Allele origin: germline.
Comment: This sequence change replaces glycine, which is neutral and non-polar, with aspartic acid, which is acidic and polar, at codon 37 of the TMEM127 protein (p.Gly37Asp). This variant is not present in population databases (gnomAD no frequency). This variant has not been reported in the literature in individuals affected with TMEM127-related conditions. ClinVar contains an entry for this variant (Variation ID: 2442420). An algorithm developed to predict the effect of missense changes on protein structure and function (PolyPhen-2) suggests that this variant is likely to be disruptive. In summary, the available evidence is currently insufficient to determine the role of this variant in disease. Therefore, it has been classified as a Variant of Uncertain Significance.

Ambry Genetics
Classification: Uncertain significance for Hereditary cancer-predisposing syndrome. Last evaluated: 2025-02-24. Review status: criteria provided, single submitter. Criteria: Ambry Variant Classification Scheme 2023. Collection method: clinical testing. Allele origin: germline.
Comment: The p.G37D variant (also known as c.110G>A), located in coding exon 1 of the TMEM127 gene, results from a G to A substitution at nucleotide position 110. The glycine at codon 37 is replaced by aspartic acid, an amino acid with similar properties. This amino acid position is conserved. In addition, this alteration is predicted to be deleterious by in silico analysis. Since supporting evidence is limited at this time, the clinical significance of this alteration remains unclear.

Quest Diagnostics Nichols Institute San Juan Capistrano
Classification: Uncertain significance. Last evaluated: 2023-11-17. Review status: criteria provided, single submitter. Criteria: Quest Diagnostics criteria. Collection method: clinical testing. Allele origin: unknown.
Comment: The TMEM127 c.110G>A (p.Gly37Asp) variant has not been reported in individuals with TMEM127-related conditions in the published literature. It also has not been reported in large, multi-ethnic general populations (Genome Aggregation Database). Analysis of this variant using a bioinformatics tool for the prediction of the effect of amino acid changes on protein structure and function yielded a prediction that this variant is deleterious. Based on the available information, we are unable to determine the clinical significance of this variant.

Baylor Genetics
Classification: Uncertain significance for Pheochromocytoma. Last evaluated: 2023-10-31. Review status: criteria provided, single submitter. Criteria: ACMG Guidelines, 2015. Collection method: clinical testing. Allele origin: unknown.

GeneDx
Classification: Uncertain significance. Last evaluated: 2022-09-01. Review status: criteria provided, single submitter. Criteria: GeneDx Variant Classification Process June 2021. Collection method: clinical testing. Allele origin: germline. Affected: yes.
Comment: Not observed at significant frequency in large population cohorts (gnomAD); In silico analysis supports that this missense variant does not alter protein structure/function; Has not been previously published as pathogenic or benign to our knowledge

NM_017849.4(TMEM127):c.110G>A (p.Gly37Asp)

Genes: TMEM127 (transmembrane protein 127; minus strand), LOC129934333 (ATAC-STARR-seq lymphoblastoid silent region 11759; plus strand). Cytogenetic location: 2q11.2.
Variant type: single nucleotide variant.
Coding change: c.110G>A on transcript NM_017849.4 (MANE Select); coding-DNA position 110, G replaced by A.
Protein change: p.Gly37Asp; replaces glycine 37 with aspartic acid.
Molecular consequence: missense variant.
Genome position (GRCh38, 1-based): chr2:96,265,272, C>T on the plus strand (G>A on the coding strand, the complement: TMEM127 is on the minus strand). VCF-style: chr2-96265272-C-T. GRCh37 (hg19) VCF-style: chr2-96931010-C-T.
Other names: c.110G>A, p.Gly37Asp (NM_001193304.3); short protein forms G37D.
Identifiers: ClinVar variation 2442420 (VCV002442420.9), dbSNP rs1684393209, ClinGen allele CA347656093.